The following is an entry in ClinVar:

NM_030928.4(CDT1):c.1357C>T (p.Arg453Trp)

Gene: CDT1 (chromatin licensing and DNA replication factor 1; plus strand). Cytogenetic location: 16q24.3.
Variant type: single nucleotide variant.
Coding change: c.1357C>T on transcript NM_030928.4 (MANE Select); coding-DNA position 1357, C replaced by T.
Protein change: p.Arg453Trp; replaces arginine 453 with tryptophan.
Molecular consequence: missense variant.
Genome position (GRCh38, 1-based): chr16:88,807,362, C>T. VCF-style: chr16-88807362-C-T. GRCh37 (hg19) VCF-style: chr16-88873770-C-T.
Other names: short protein forms R453W.
Identifiers: ClinVar variation 434677 (VCV000434677.29), dbSNP rs200672589, ClinGen allele CA8234133.

ClinVar aggregate classification (germline): Conflicting classifications of pathogenicity. Review status: criteria provided, conflicting classifications (1 of 4 stars). 4 submissions from 4 submitters: Uncertain significance (2); Benign (1); Likely benign (1). Last evaluated 2025-11-08.

Conditions:
Meier-Gorlin syndrome 4 (MGORS4). Identifiers: Orphanet 2554, MedGen C3151120, MONDO:0013431, OMIM 613804.

Allele frequency attached by ClinVar (database versions not stated): gnomAD 0.00011 and 0.00040; TOPMed 0.00020; ESP Exome Variant Server 0.00023; 1000 Genomes Project 30x 0.00109; 1000 Genomes Project 0.00120; gnomAD exomes 0.00127; ExAC 0.00155.
gnomAD v4.1: 1,101 of 1,612,572 alleles (0.068%); highest among the groups gnomAD compares: South Asian, 1%; 17 homozygotes.

Submissions (4):

Labcorp Genetics (formerly Invitae), Labcorp
Classification: Likely benign. Last evaluated: 2025-11-08. Review status: criteria provided, single submitter. Criteria: Invitae Variant Classification Sherloc (09022015). Collection method: clinical testing. Allele origin: germline.

CeGaT Center for Human Genetics Tuebingen
Classification: Benign. Last evaluated: 2024-12-01. Review status: criteria provided, single submitter. Criteria: CeGaT Center For Human Genetics Tuebingen Variant Classification Criteria Version 2. Collection method: clinical testing. Allele origin: germline. Affected: yes. Observed: 1 variant allele.
Comment: CDT1: BS1, BS2

Genomic Research Center, Shahid Beheshti University of Medical Sciences
Classification: Uncertain significance for Meier-Gorlin syndrome 4. Last evaluated: 2018-08-07. Review status: criteria provided, single submitter. Criteria: ACMG Guidelines, 2015. Collection method: clinical testing. Allele origin: inherited. Affected: no. Observed: 1 variant allele.

Genetic Services Laboratory, University of Chicago
Classification: Uncertain significance. Last evaluated: 2016-01-15. Review status: criteria provided, single submitter. Criteria: ACMG Guidelines, 2015. Collection method: clinical testing. Allele origin: germline. Affected: no.